The following is an entry in ClinVar:

ClinVar aggregate classification (germline): Benign/Likely benign. Review status: criteria provided, multiple submitters, no conflicts (2 of 4 stars). 11 submissions from 11 submitters: Benign (1); Likely benign (7). 3 of the submissions do not count toward it. Last evaluated 2026-01-18.

Conditions:
BRCA1-related disorder. Also called: BRCA1-related condition.
Breast-ovarian cancer, familial, susceptibility to, 1 (BROVCA1). Also called: BRCA1 Hereditary Breast and Ovarian Cancer; OVARIAN CANCER, SUSCEPTIBILITY TO. Identifiers: Orphanet 145, MedGen C2676676, MONDO:0011450, OMIM 604370. Disease mechanism: loss of function.
Familial cancer of breast. Also called: hereditary breast carcinoma; BREAST CANCER, FAMILIAL; Hereditary breast cancer. Identifiers: Orphanet 227535, MedGen C0346153, MONDO:0016419, OMIM 114480. Disease mechanism: loss of function.
Fanconi anemia, complementation group S (FANCS). Identifiers: MedGen C4554406, MONDO:0054748, OMIM 617883.
Hereditary cancer-predisposing syndrome. Also called: Hereditary Cancer Syndrome; Hereditary neoplastic syndrome; Neoplastic Syndromes, Hereditary; Tumor predisposition. Identifiers: Orphanet 140162, MedGen C0027672, MeSH D009386, MONDO:0015356.
Hereditary breast ovarian cancer syndrome. Also called: BRCA1- and BRCA2-Associated Hereditary Breast and Ovarian Cancer; Hereditary breast and ovarian cancer syndrome; Hereditary breast and ovarian cancer syndrome (HBOC); Breast and ovarian cancer; Hereditary breast and/or ovarian cancer syndrome; Hereditary breast and ovarian cancer. Identifiers: Orphanet 145, MedGen C0677776, MeSH D061325, MONDO:0003582. Disease mechanism: loss of function.

Allele frequency attached by ClinVar (database versions not stated): ExAC 0.00002; TOPMed below 0.00001; gnomAD exomes 0.00002.

Submissions (11):

Labcorp Genetics (formerly Invitae), Labcorp
Classification: Likely benign for Hereditary breast ovarian cancer syndrome. Last evaluated: 2026-01-18. Review status: criteria provided, single submitter. Criteria: Invitae Variant Classification Sherloc (09022015). Collection method: clinical testing. Allele origin: germline.

Mayo Clinic Laboratories, Mayo Clinic
Classification: Benign. Last evaluated: 2024-12-13. Review status: criteria provided, single submitter. Criteria: ACMG Guidelines, 2015. Collection method: clinical testing. Allele origin: germline. Observed: 1 variant allele.
Comment: BS1_supporting, BS3, BP1_strong, BP5

Quest Diagnostics Nichols Institute San Juan Capistrano
Classification: Likely benign. Last evaluated: 2023-06-29. Review status: criteria provided, single submitter. Criteria: Quest Diagnostics criteria. Collection method: clinical testing. Allele origin: unknown.

Department of Pathology and Laboratory Medicine, Sinai Health System
Classification: Likely benign for Familial cancer of breast; Breast-ovarian cancer, familial, susceptibility to, 1; Fanconi anemia, complementation group S. Last evaluated: 2021-09-27. Review status: criteria provided, single submitter. Criteria: ACMG Guidelines, 2015. Collection method: clinical testing. Allele origin: germline. Affected: yes.

Mendelics
Classification: Likely benign for Breast-ovarian cancer, familial, susceptibility to, 1. Last evaluated: 2019-05-28. Review status: criteria provided, single submitter. Criteria: Mendelics Assertion Criteria 2017. Collection method: clinical testing. Allele origin: unknown.

Ambry Genetics
Classification: Likely benign for Hereditary cancer-predisposing syndrome. Last evaluated: 2018-11-19. Review status: criteria provided, single submitter. Criteria: Ambry Variant Classification Scheme 2023. Collection method: clinical testing. Allele origin: germline.

Color Diagnostics, LLC DBA Color Health
Classification: Likely benign for Hereditary cancer-predisposing syndrome. Last evaluated: 2018-04-02. Review status: criteria provided, single submitter. Criteria: ACMG Guidelines, 2015. Collection method: clinical testing. Allele origin: germline.

GeneDx
Classification: Likely benign. Last evaluated: 2015-10-09. Review status: criteria provided, single submitter. Criteria: GeneDx Variant Classification (06012015). Collection method: clinical testing. Allele origin: germline. Affected: yes.
Comment: This variant is considered likely benign or benign based on one or more of the following criteria: it is a conservative change, it occurs at a poorly conserved position in the protein, it is predicted to be benign by multiple in silico algorithms, and/or has population frequency not consistent with disease.

PreventionGenetics, part of Exact Sciences
Classification: Likely benign for BRCA1-related condition. Last evaluated: 2023-06-12. Review status: no assertion criteria provided. Collection method: clinical testing. Allele origin: germline. Not counted in ClinVar's aggregate classification.
Comment: This variant is classified as likely benign based on ACMG/AMP sequence variant interpretation guidelines (Richards et al. 2015 PMID: 25741868, with internal and published modifications).

Counsyl
Classification: Likely benign for Breast-ovarian cancer, familial 1. Last evaluated: 2014-10-13. Review status: no assertion criteria provided. Collection method: literature only. Allele origin: unknown. Inheritance: Autosomal dominant inheritance. Not counted in ClinVar's aggregate classification.

Breast Cancer Information Core (BIC) (BRCA1)
Classification: Uncertain significance for Breast-ovarian cancer, familial 1. Last evaluated: 2007-04-10. Review status: no assertion criteria provided. Collection method: clinical testing. Allele origin: germline. Affected: yes. Observed: 4 variant alleles. Not counted in ClinVar's aggregate classification.

Literature cited by the submitters: PubMed 30765603 (cited by 3 submitters); PubMed 31131967 (cited by Mayo Clinic Laboratories, Mayo Clinic and Quest Diagnostics Nichols Institute San Juan Capistrano); PubMed 33471991 (cited by Quest Diagnostics Nichols Institute San Juan Capistrano); PubMed 15235020 (cited by Quest Diagnostics Nichols Institute San Juan Capistrano and Counsyl); PubMed 21735045 (cited by Quest Diagnostics Nichols Institute San Juan Capistrano and Counsyl); PubMed 23613828 (cited by 3 submitters); PubMed 30287823 (cited by Quest Diagnostics Nichols Institute San Juan Capistrano and Department of Pathology and Laboratory Medicine, Sinai Health System); PubMed 20727672 (cited by 3 submitters); PubMed 28781887 (cited by Quest Diagnostics Nichols Institute San Juan Capistrano); PubMed 27886673 (cited by Department of Pathology and Laboratory Medicine, Sinai Health System).

NM_007294.4(BRCA1):c.4766G>A (p.Arg1589His)

Gene: BRCA1 (BRCA1 DNA repair associated; minus strand). Cytogenetic location: 17q21.31.
Variant type: single nucleotide variant.
Coding change: c.4766G>A on transcript NM_007294.4 (MANE Select); coding-DNA position 4766, G replaced by A.
Protein change: p.Arg1589His; replaces arginine 1589 with histidine.
Molecular consequence: missense variant. On other transcripts: non-coding transcript variant (1).
Genome position (GRCh38, 1-based): chr17:43,071,148, C>T on the plus strand (G>A on the coding strand, the complement: BRCA1 is on the minus strand). VCF-style: chr17-43071148-C-T. GRCh37 (hg19) VCF-style: chr17-41223165-C-T.
Other names: p.Arg1589His; c.4763G>A, p.Arg1588His (NM_001407613.1, NM_001407614.1, NM_001407615.1 and 17 more transcripts); c.4760G>A, p.Arg1587His (NM_001407632.1, NM_001407633.1, NM_001407634.1 and 14 more transcripts); c.4688G>A, p.Arg1563His (NM_001407654.1, NM_001407655.1, NM_001407653.1); c.4685G>A, p.Arg1562His (NM_001407656.1, NM_001407657.1, NM_001407658.1); c.4682G>A, p.Arg1561His (NM_001407659.1, NM_001407660.1, NM_001407661.1 and 2 more transcripts); c.4640G>A, p.Arg1547His (NM_001407673.1, NM_001407674.1, NM_001407675.1 and 11 more transcripts); c.4637G>A, p.Arg1546His (NM_001407681.1, NM_001407682.1, NM_001407683.1 and 6 more transcripts); and 71 more; short protein forms R1589H, R1542H, R485H, R1610H, R1292H, R1435H, R1477H, R1500H.
Identifiers: ClinVar variation 55284 (VCV000055284.25), dbSNP rs80357341, ClinGen allele CA003013.